The following is an entry in ClinVar:

NM_004415.4(DSP):c.111C>A (p.Thr37=)

Genes: DSP (desmoplakin; plus strand), DSP-AS1 (DSP antisense RNA 1; minus strand). Cytogenetic location: 6p24.3.
Variant type: single nucleotide variant.
Coding change: c.111C>A on transcript NM_004415.4 (MANE Select); coding-DNA position 111, C replaced by A.
Protein change: p.Thr37=; no amino-acid change (threonine 37 retained).
Molecular consequence: synonymous variant.
Genome position (GRCh38, 1-based): chr6:7,542,026, C>A. VCF-style: chr6-7542026-C-A. GRCh37 (hg19) VCF-style: chr6-7542259-C-A.
Other names: c.111C>A, p.Thr37= (NM_001008844.3, NM_001319034.2).
Identifiers: ClinVar variation 163232 (VCV000163232.10), dbSNP rs727502995, ClinGen allele CA004784.

ClinVar aggregate classification (germline): Likely benign. Review status: criteria provided, multiple submitters, no conflicts (2 of 4 stars). 3 submissions from 3 submitters: Likely benign (3). Last evaluated 2025-12-10.

Conditions:
Cardiovascular phenotype. Identifiers: MedGen CN230736.
Arrhythmogenic right ventricular dysplasia 8 (ARVD8). Also called: ARRHYTHMOGENIC RIGHT VENTRICULAR DYSPLASIA, FAMILIAL, 8; ARRHYTHMOGENIC RIGHT VENTRICULAR CARDIOMYOPATHY 8; Arrhythmogenic Right Ventricular Dysplasia/Cardiomyopathy 8. Identifiers: MedGen C1843896, MONDO:0011831, OMIM 607450.
Arrhythmogenic cardiomyopathy with wooly hair and keratoderma. Also called: Arrhythmogenic cardiomyopathy with woolly hair and keratoderma; PALMOPLANTAR KERATODERMA WITH LEFT VENTRICULAR CARDIOMYOPATHY AND WOOLLY HAIR; Dilated cardiomyopathy with woolly hair and keratoderma; Carvajal syndrome. Identifiers: Orphanet 65282, MedGen C1854063, MONDO:0011581, OMIM 605676.

gnomAD v4.1: 1 of 1,582,494 alleles (0.000063%); no homozygotes.

Submissions (3):

Ambry Genetics
Classification: Likely benign for Cardiovascular phenotype. Last evaluated: 2025-12-10. Review status: criteria provided, single submitter. Criteria: Ambry Variant Classification Scheme 2023. Collection method: clinical testing. Allele origin: germline.

Labcorp Genetics (formerly Invitae), Labcorp
Classification: Likely benign for Arrhythmogenic cardiomyopathy with wooly hair and keratoderma; Arrhythmogenic right ventricular dysplasia 8. Last evaluated: 2022-12-13. Review status: criteria provided, single submitter. Criteria: Invitae Variant Classification Sherloc (09022015). Collection method: clinical testing. Allele origin: germline.

Laboratory for Molecular Medicine, Mass General Brigham Personalized Medicine
Classification: Likely benign. Last evaluated: 2014-04-16. Review status: criteria provided, single submitter. Criteria: LMM Criteria. Collection method: clinical testing. Allele origin: germline. Observed: 1 variant allele.
Comment: Thr37Thr in exon 1 of DSP: This variant is not expected to have clinical signif icance because it does not alter an amino acid residue and is not located within the splice consensus sequence.